The following is an entry in ClinVar:

NM_002778.4(PSAP):c.1000A>T (p.Thr334Ser)

Gene: PSAP (prosaposin; minus strand). Cytogenetic location: 10q22.1.
Variant type: single nucleotide variant.
Coding change: c.1000A>T on transcript NM_002778.4 (MANE Select); coding-DNA position 1000, A replaced by T.
Protein change: p.Thr334Ser; replaces threonine 334 with serine.
Molecular consequence: missense variant.
Genome position (GRCh38, 1-based): chr10:71,820,245, T>A on the plus strand (A>T on the coding strand, the complement: PSAP is on the minus strand). VCF-style: chr10-71820245-T-A. GRCh37 (hg19) VCF-style: chr10-73580002-T-A.
Other names: c.1009A>T, p.Thr337Ser (NM_001042465.3); c.1006A>T, p.Thr336Ser (NM_001042466.3); short protein forms T334S, T337S, T336S.
Identifiers: ClinVar variation 300518 (VCV000300518.9), dbSNP rs749663645, ClinGen allele CA5547544.
Genomic context (GRCh38, chr10:71,820,245, plus strand): 5'-CATTCAGGCTCGGGGGGGCAGGAGAGGCCCTCCCTCTGCCAGGAGGACAGCATACCTCAG[T>A]CTTGTTGTTGTCAATCAGCTTGGTCACCTCCTTCACCAGGAATTCACACACCTCACAGTA-3'
Protein context (NP_002769.1, residues 324-344): EVTKLIDNNK[Thr334Ser]EKEILDAFDK

ClinVar aggregate classification (germline): Conflicting classifications of pathogenicity. Review status: criteria provided, conflicting classifications (1 of 4 stars). 5 submissions from 2 submitters: Uncertain significance (4); Likely benign (1). Last evaluated 2022-02-05.

Conditions:
Krabbe disease due to saposin A deficiency. Also called: Saposin A Deficiency; KRABBE DISEASE, ATYPICAL, DUE TO SAPOSIN A DEFICIENCY. Identifiers: Orphanet 487, MedGen C2673266, MONDO:0012720, OMIM 611722.
Combined PSAP deficiency (PSAPD). Also called: COMBINED SAP DEFICIENCY; PROSAPOSIN DEFICIENCY; Encephalopathy due to prosaposin deficiency. Identifiers: Orphanet 139406, MedGen C2673635, MONDO:0012719, OMIM 611721.
Gaucher disease due to saposin C deficiency. Also called: Atypical Gaucher disease due to saposin C deficiency; Saposin C Deficiency. Identifiers: Orphanet 309252, Orphanet 355, MedGen C1864651, MONDO:0012517, OMIM 610539.
Sphingolipid activator protein 1 deficiency. Also called: Saposin B Deficiency; METACHROMATIC LEUKODYSTROPHY DUE TO CEREBROSIDE SULFATASE ACTIVATOR DEFICIENCY; Metachromatic leukodystrophy due to saposin B deficiency. Identifiers: Orphanet 512, MedGen C0268262, MONDO:0009590, OMIM 249900.

Allele frequency attached by ClinVar (database versions not stated): TOPMed 0.00001; gnomAD exomes 0.00003; ExAC 0.00004; gnomAD 0.00005.
gnomAD v4.1: 49 of 1,612,188 alleles (0.003%); highest among the groups gnomAD compares: Non-Finnish European, 0.0042%; no homozygotes.

Submissions (5):

Labcorp Genetics (formerly Invitae), Labcorp
Classification: Uncertain significance for Sphingolipid activator protein 1 deficiency. Last evaluated: 2022-02-05. Review status: criteria provided, single submitter. Criteria: Invitae Variant Classification Sherloc (09022015). Collection method: clinical testing. Allele origin: germline.
Comment: This sequence change replaces threonine, which is neutral and polar, with serine, which is neutral and polar, at codon 334 of the PSAP protein (p.Thr334Ser). This variant is present in population databases (rs749663645, gnomAD 0.008%). This variant has not been reported in the literature in individuals affected with PSAP-related conditions. ClinVar contains an entry for this variant (Variation ID: 300518). Algorithms developed to predict the effect of missense changes on protein structure and function are either unavailable or do not agree on the potential impact of this missense change (SIFT: "Not Available"; PolyPhen-2: "Probably Damaging"; Align-GVGD: "Not Available"). In summary, the available evidence is currently insufficient to determine the role of this variant in disease. Therefore, it has been classified as a Variant of Uncertain Significance.

Illumina Laboratory Services, Illumina
Classification: Uncertain significance for Krabbe disease due to saposin A deficiency. Last evaluated: 2018-01-13. Review status: criteria provided, single submitter. Criteria: ICSL Variant Classification Criteria 13 December 2019. Collection method: clinical testing. Allele origin: germline.

Illumina Laboratory Services, Illumina
Classification: Uncertain significance for Combined PSAP deficiency. Last evaluated: 2018-01-13. Review status: criteria provided, single submitter. Criteria: ICSL Variant Classification Criteria 13 December 2019. Collection method: clinical testing. Allele origin: germline.

Illumina Laboratory Services, Illumina
Classification: Likely benign for Gaucher disease due to saposin C deficiency. Last evaluated: 2018-01-13. Review status: criteria provided, single submitter. Criteria: ICSL Variant Classification Criteria 13 December 2019. Collection method: clinical testing. Allele origin: germline.
Comment: This variant was observed in the ICSL laboratory as part of a predisposition screen in an ostensibly healthy population. It had not been previously curated by ICSL or reported in the Human Gene Mutation Database (HGMD: prior to June 1st, 2018), and was therefore a candidate for classification through an automated scoring system. Utilizing variant allele frequency, disease prevalence and penetrance estimates, and inheritance mode, an automated score was calculated to assess if this variant is too frequent to cause the disease. Based on the score and internal cut-off values, a variant classified as likely benign is not then subjected to further curation. The score for this variant resulted in a classification of likely benign for this disease.

Illumina Laboratory Services, Illumina
Classification: Uncertain significance for Sphingolipid activator protein 1 deficiency. Last evaluated: 2018-01-13. Review status: criteria provided, single submitter. Criteria: ICSL Variant Classification Criteria 13 December 2019. Collection method: clinical testing. Allele origin: germline.